The following is an entry in ClinVar:

ClinVar aggregate classification (germline): Uncertain significance (1 of 4 stars; one submission).

Conditions:
Hereditary nonpolyposis colorectal neoplasms. Identifiers: MedGen C0009405, MeSH D003123.

Submission:

Labcorp Genetics (formerly Invitae), Labcorp
Classification: Uncertain significance for Hereditary nonpolyposis colorectal neoplasms. Last evaluated: 2023-04-14. Review status: criteria provided, single submitter. Criteria: Invitae Variant Classification Sherloc (09022015). Collection method: clinical testing. Allele origin: germline.
Comment: In summary, the available evidence is currently insufficient to determine the role of this variant in disease. Therefore, it has been classified as a Variant of Uncertain Significance. Advanced modeling of protein sequence and biophysical properties (such as structural, functional, and spatial information, amino acid conservation, physicochemical variation, residue mobility, and thermodynamic stability) performed at Invitae indicates that this missense variant is not expected to disrupt MSH6 protein function. This variant has not been reported in the literature in individuals affected with MSH6-related conditions. This variant is not present in population databases (gnomAD no frequency). This sequence change replaces arginine, which is basic and polar, with lysine, which is basic and polar, at codon 190 of the MSH6 protein (p.Arg190Lys).

NM_000179.3(MSH6):c.569G>A (p.Arg190Lys)

Gene: MSH6 (mutS homolog 6; plus strand). Cytogenetic location: 2p16.3.
Variant type: single nucleotide variant.
Coding change: c.569G>A on transcript NM_000179.3 (MANE Select); coding-DNA position 569, G replaced by A.
Protein change: p.Arg190Lys; replaces arginine 190 with lysine.
Molecular consequence: missense variant. On other transcripts: 5 prime UTR variant (2), non-coding transcript variant (5), intron variant (8).
Genome position (GRCh38, 1-based): chr2:47,796,005, G>A. VCF-style: chr2-47796005-G-A. GRCh37 (hg19) VCF-style: chr2-48023144-G-A.
Other names: c.-334G>A (NM_001281494.2); c.665G>A, p.Arg222Lys (NM_001406795.1, NM_001406802.1); c.569G>A, p.Arg190Lys (NM_001406796.1, NM_001406798.1, NM_001406800.1 and 5 more transcripts); c.272G>A, p.Arg91Lys (NM_001406797.1, NM_001406801.1, NM_001406805.1 and 10 more transcripts); c.44G>A, p.Arg15Lys (NM_001406799.1, NM_001406806.1, NM_001406807.1); c.491G>A, p.Arg164Lys (NM_001406804.1); c.575G>A, p.Arg192Lys (NM_001406813.1); c.-426G>A (NM_001406814.1); and 3 more; short protein forms R164K, R222K, R91K, R134K, R15K, R192K, R190K.
Identifiers: ClinVar variation 2791538 (VCV002791538.3), dbSNP rs1558656670, ClinGen allele CA346738790.